The following is an entry in ClinVar:

ClinVar aggregate classification (germline): Benign. Review status: criteria provided, multiple submitters, no conflicts (2 of 4 stars). 3 submissions from 3 submitters: Benign (3). Last evaluated 2026-02-04.

Allele frequency attached by ClinVar (database versions not stated): ESP Exome Variant Server 0.02542; ExAC 0.04149; 1000 Genomes Project 0.01677; 1000 Genomes Project 30x 0.01780; TOPMed 0.02339; gnomAD 0.02341.
gnomAD v4.1: 37,716 of 1,600,628 alleles (2.4%); highest among the groups gnomAD compares: Middle Eastern, 4.6%; 542 homozygotes.

Submissions (3):

Labcorp Genetics (formerly Invitae), Labcorp
Classification: Benign. Last evaluated: 2026-02-04. Review status: criteria provided, single submitter. Criteria: Invitae Variant Classification Sherloc (09022015). Collection method: clinical testing. Allele origin: germline.

GeneDx
Classification: Benign. Last evaluated: 2016-10-24. Review status: criteria provided, single submitter. Criteria: GeneDx Variant Classification (06012015). Collection method: clinical testing. Allele origin: germline. Affected: yes.
Comment: This variant is considered likely benign or benign based on one or more of the following criteria: it is a conservative change, it occurs at a poorly conserved position in the protein, it is predicted to be benign by multiple in silico algorithms, and/or has population frequency not consistent with disease.

Breakthrough Genomics
Classification: Benign. Review status: criteria provided, single submitter. Criteria: ACMG Guidelines, 2015. Collection method: not provided. Allele origin: germline. Inheritance: Autosomal recessive inheritance. Affected: yes.

NM_018993.4(RIN2):c.375C>T (p.Thr125=)

Gene: RIN2 (Ras and Rab interactor 2; plus strand). Cytogenetic location: 20p11.23.
Variant type: single nucleotide variant.
Coding change: c.375C>T on transcript NM_018993.4 (MANE Select); coding-DNA position 375, C replaced by T.
Protein change: p.Thr125=; no amino-acid change (threonine 125 retained).
Molecular consequence: synonymous variant. On other transcripts: 5 prime UTR variant (1).
Genome position (GRCh38, 1-based): chr20:19,960,723, C>T. VCF-style: chr20-19960723-C-T. GRCh37 (hg19) VCF-style: chr20-19941367-C-T.
Other names: c.522C>T, p.Thr174= (NM_001242581.2); c.-171C>T (NM_001378238.1).
Identifiers: ClinVar variation 387340 (VCV000387340.10), dbSNP rs45481396, ClinGen allele CA9779812.